The following is an entry in ClinVar:

NM_000360.4(TH):c.110G>A (p.Arg37His)

Gene: TH (tyrosine hydroxylase; minus strand). Cytogenetic location: 11p15.5.
Variant type: single nucleotide variant.
Coding change: c.110G>A on transcript NM_000360.4 (MANE Select); coding-DNA position 110, G replaced by A.
Protein change: p.Arg37His; replaces arginine 37 with histidine.
Molecular consequence: missense variant.
Genome position (GRCh38, 1-based): chr11:2,169,852, C>T on the plus strand (G>A on the coding strand, the complement: TH is on the minus strand). VCF-style: chr11-2169852-C-T. GRCh37 (hg19) VCF-style: chr11-2191082-C-T.
Other names: c.203G>A, p.Arg68His (NM_199292.3); c.191G>A, p.Arg64His (NM_199293.3); short protein forms R68H, R64H, R37H.
Identifiers: ClinVar variation 455993 (VCV000455993.14), dbSNP rs368122376, ClinGen allele CA5818790.
Genomic context (GRCh38, chr11:2,169,852, plus strand): 5'-GCCGCTGCTGCCACCGCCGCCTCCCGCTCCTTGCGGGCGTCCTCGATGAGGCTCTGCCTG[C>T]GCCCAATGAACCGCGGGGACTGTGGGGACAAGGGGCACCCATGCCTCCTCCACCTGCTGA-3'
Protein context (NP_000351.2, residues 27-47): EAIMSPRFIG[Arg37His]RQSLIEDARK

ClinVar aggregate classification (germline): Uncertain significance. Review status: criteria provided, multiple submitters, no conflicts (2 of 4 stars). 4 submissions from 4 submitters: Uncertain significance (3). 1 of the submissions does not count toward it. Last evaluated 2026-07-28.

Conditions:
TH-deficient dopa-responsive dystonia. Also called: DYT-TH; Tyrosine Hydroxylase-Deficient Dopa-Responsive Dystonia; Segawa syndrome, autosomal recessive. Identifiers: Orphanet 101150, MedGen C2673535, MONDO:0011551, OMIM 605407.

Allele frequency attached by ClinVar (database versions not stated): ESP Exome Variant Server 0.00008; gnomAD exomes 0.00003 and 0.00005; gnomAD 0.00005 and 0.00006; TOPMed 0.00003; ExAC 0.00004.
gnomAD v4.1: 86 of 1,610,064 alleles (0.0053%); highest among the groups gnomAD compares: South Asian, 0.0099%; no homozygotes.

Submissions (4):

GeneDx
Classification: Uncertain significance. Last evaluated: 2026-07-28. Review status: criteria provided, single submitter. Criteria: GeneDx Variant Classification Process June 2021. Collection method: clinical testing. Allele origin: germline.
Comment: In silico analysis supports that this missense variant has a deleterious effect on protein structure/function; Has not been previously published as pathogenic or benign to our knowledge

Labcorp Genetics (formerly Invitae), Labcorp
Classification: Uncertain significance for TH-deficient dopa-responsive dystonia. Last evaluated: 2026-01-12. Review status: criteria provided, single submitter. Criteria: Invitae Variant Classification Sherloc (09022015). Collection method: clinical testing. Allele origin: germline.
Comment: This sequence change replaces arginine, which is basic and polar, with histidine, which is basic and polar, at codon 68 of the TH protein (p.Arg68His). This variant is present in population databases (rs368122376, gnomAD 0.01%). This variant has not been reported in the literature in individuals affected with TH-related conditions. ClinVar contains an entry for this variant (Variation ID: 455993). Invitae Evidence Modeling of protein sequence and biophysical properties (such as structural, functional, and spatial information, amino acid conservation, physicochemical variation, residue mobility, and thermodynamic stability) has been performed for this missense variant. However, the output from this modeling did not meet the statistical confidence thresholds required to predict the impact of this variant on TH protein function. In summary, the available evidence is currently insufficient to determine the role of this variant in disease. Therefore, it has been classified as a Variant of Uncertain Significance.

Centre for Mendelian Genomics, University Medical Centre Ljubljana
Classification: Uncertain significance for TH-deficient dopa-responsive dystonia. Last evaluated: 2018-09-28. Review status: criteria provided, single submitter. Criteria: ACMG Guidelines, 2015. Collection method: clinical testing. Allele origin: unknown. Affected: yes.
Comment: This variant was classified as: Uncertain significance. The available evidence on this variant's pathogenicity is insufficient or conflicting. The following ACMG criteria were applied in classifying this variant: PM2,PP3.

Natera, Inc.
Classification: Uncertain significance for Autosomal recessive Segawa syndrome. Last evaluated: 2019-11-11. Review status: no assertion criteria provided. Collection method: clinical testing. Allele origin: germline. Not counted in ClinVar's aggregate classification.